The following is an entry in ClinVar:

ClinVar aggregate classification (germline): Uncertain significance (1 of 4 stars; one submission).

Conditions:
Hypertrophic cardiomyopathy. Also called: HYPERTROPHIC MYOCARDIOPATHY. Identifiers: Orphanet 217569, MedGen C0007194, MeSH D002312, MONDO:0005045, HP:0001639.

Allele frequency attached by ClinVar (database versions not stated): gnomAD exomes below 0.00001.
gnomAD v4.1: 1 of 1,613,814 alleles (0.000062%); highest among the groups gnomAD compares: Non-Finnish European, 0.000085%; no homozygotes.

Submission:

Labcorp Genetics (formerly Invitae), Labcorp
Classification: Uncertain significance for Hypertrophic cardiomyopathy. Last evaluated: 2021-09-29. Review status: criteria provided, single submitter. Criteria: Invitae Variant Classification Sherloc (09022015). Collection method: clinical testing. Allele origin: germline.
Comment: This variant has not been reported in the literature in individuals affected with MYOM1-related conditions. In summary, the available evidence is currently insufficient to determine the role of this variant in disease. Therefore, it has been classified as a Variant of Uncertain Significance. Algorithms developed to predict the effect of missense changes on protein structure and function are either unavailable or do not agree on the potential impact of this missense change (SIFT: "Deleterious"; PolyPhen-2: "Possibly Damaging"; Align-GVGD: "Class C0"). This variant is not present in population databases (ExAC no frequency). This sequence change replaces valine with methionine at codon 655 of the MYOM1 protein (p.Val655Met). The valine residue is highly conserved and there is a small physicochemical difference between valine and methionine.

NM_003803.4(MYOM1):c.1963G>A (p.Val655Met)

Gene: MYOM1 (myomesin 1; minus strand). Cytogenetic location: 18p11.31.
Variant type: single nucleotide variant.
Coding change: c.1963G>A on transcript NM_003803.4 (MANE Select); coding-DNA position 1963, G replaced by A.
Protein change: p.Val655Met; replaces valine 655 with methionine.
Molecular consequence: missense variant.
Genome position (GRCh38, 1-based): chr18:3,142,001, C>T on the plus strand (G>A on the coding strand, the complement: MYOM1 is on the minus strand). VCF-style: chr18-3142001-C-T. GRCh37 (hg19) VCF-style: chr18-3141999-C-T.
Other names: c.1963G>A, p.Val655Met (NM_019856.2); short protein forms V655M.
Identifiers: ClinVar variation 1521892 (VCV001521892.6), dbSNP rs2143941457, ClinGen allele CA401713713.